The following is an entry in ClinVar:

NM_001204.7(BMPR2):c.1286_1309del (p.Val429_Gln437delinsGlu)

Gene: BMPR2 (bone morphogenetic protein receptor type 2; plus strand). Cytogenetic location: 2q33.2.
Variant type: Deletion.
Coding change: c.1286_1309del on transcript NM_001204.7 (MANE Select); coding-DNA positions 1286 to 1309, 24 bases deleted (TACCAGAGTACCAGATGGCTTTTC).
Protein change: p.Val429_Gln437delinsGlu.
Molecular consequence: inframe indel.
Genome position (GRCh38, 1-based): chr2:202,542,320-202,542,343, TACCAGAGTACCAGATGGCTTTTC deleted. VCF-style (leftmost placement, unchanged base first): chr2-202542319-GTACCAGAGTACCAGATGGCTTTTC-G. GRCh37 (hg19) VCF-style: chr2-203407042-GTACCAGAGTACCAGATGGCTTTTC-G.
Identifiers: ClinVar variation 1027322 (VCV001027322.7), dbSNP rs1688292101, ClinGen allele CA1321550597.
Genomic context (GRCh38, chr2:202,542,319, plus strand): 5'-ATTTATGATAGTTAGAAATTTTATTCTGTCATTCTTTTCTACAAATCCACAGGGGAATCC[GTACCAGAGTACCAGATGGCTTTTC>G]AGACAGAGGTTGGAAACCATCCCACTTTTGAGGATATGCAGGTTCTCGTGTCTAGGGAAA-3'

ClinVar aggregate classification (germline): Uncertain significance (1 of 4 stars; one submission).

Conditions:
Primary pulmonary hypertension. Also called: Idiopathic pulmonary hypertension. Identifiers: MedGen C0152171.

Submission:

Labcorp Genetics (formerly Invitae), Labcorp
Classification: Uncertain significance for Primary pulmonary hypertension. Last evaluated: 2020-05-15. Review status: criteria provided, single submitter. Criteria: Invitae Variant Classification Sherloc (09022015). Collection method: clinical testing. Allele origin: germline.
Comment: In summary, the available evidence is currently insufficient to determine the role of this variant in disease. Therefore, it has been classified as a Variant of Uncertain Significance. Experimental studies and prediction algorithms are not available or were not evaluated, and the functional significance of this variant is currently unknown. This variant has been observed in individual(s) with pulmonary arterial hypertension (PMID: Invitae). This variant is not present in population databases (ExAC no frequency). This variant, c.1286_1309del, results in the deletion of 9 amino acid(s) of the BMPR2 protein and insertion of one (p.Val429_Gln437delinsGlu), but otherwise preserves the integrity of the reading frame.